The following is an entry in ClinVar:

NM_004006.3(DMD):c.1158G>T (p.Met386Ile)

Gene: DMD (dystrophin; minus strand). Cytogenetic location: Xp21.1.
Variant type: single nucleotide variant.
Coding change: c.1158G>T on transcript NM_004006.3 (MANE Select); coding-DNA position 1158, G replaced by T.
Protein change: p.Met386Ile; replaces methionine 386 with isoleucine.
Molecular consequence: missense variant.
Genome position (GRCh38, 1-based): chrX:32,644,305, C>A on the plus strand (G>T on the coding strand, the complement: DMD is on the minus strand). VCF-style: chrX-32644305-C-A. GRCh37 (hg19) VCF-style: chrX-32662422-C-A.
Other names: c.1134G>T, p.Met378Ile (NM_000109.4); c.1146G>T, p.Met382Ile (NM_004009.3); c.789G>T, p.Met263Ile (NM_004010.3); short protein forms M263I, M378I, M382I, M386I.
Identifiers: ClinVar variation 4800989 (VCV004800989.1).

ClinVar aggregate classification (germline): Uncertain significance (1 of 4 stars; one submission).

Conditions:
Duchenne muscular dystrophy (DMD). Also called: Duchenne Muscular Dystrophy (DMD); MUSCULAR DYSTROPHY, PSEUDOHYPERTROPHIC PROGRESSIVE, DUCHENNE TYPE. Identifiers: Orphanet 98896, MedGen C0013264, MONDO:0010679, OMIM 310200.

Submission:

Labcorp Genetics (formerly Invitae), Labcorp
Classification: Uncertain significance for Duchenne muscular dystrophy. Last evaluated: 2025-06-29. Review status: criteria provided, single submitter. Criteria: Invitae Variant Classification Sherloc (09022015). Collection method: clinical testing. Allele origin: germline.
Comment: This sequence change replaces methionine, which is neutral and non-polar, with isoleucine, which is neutral and non-polar, at codon 386 of the DMD protein (p.Met386Ile). This variant is not present in population databases (gnomAD no frequency). This variant has not been reported in the literature in individuals affected with DMD-related conditions. Invitae Evidence Modeling of protein sequence and biophysical properties (such as structural, functional, and spatial information, amino acid conservation, physicochemical variation, residue mobility, and thermodynamic stability) indicates that this missense variant is not expected to disrupt DMD protein function with a negative predictive value of 95%. In summary, the available evidence is currently insufficient to determine the role of this variant in disease. Therefore, it has been classified as a Variant of Uncertain Significance.